The following is an entry in ClinVar:

NM_020320.5(RARS2):c.1305+20T>C

Gene: RARS2 (arginyl-tRNA synthetase 2, mitochondrial; minus strand). Cytogenetic location: 6q15.
Variant type: single nucleotide variant.
Coding change: c.1305+20T>C on transcript NM_020320.5 (MANE Select); 20 bases into the intron after coding-DNA position 1305, T replaced by C.
Molecular consequence: intron variant.
Genome position (GRCh38, 1-based): chr6:87,518,804, A>G on the plus strand (T>C on the coding strand, the complement: RARS2 is on the minus strand). VCF-style: chr6-87518804-A-G. GRCh37 (hg19) VCF-style: chr6-88228522-A-G.
Other names: c.1305+20T>C (NM_001350505.2); c.780+20T>C (NM_001350509.2, NM_001318785.2, NM_001350506.2 and 4 more transcripts).
Identifiers: ClinVar variation 373653 (VCV000373653.1), dbSNP rs1057518531, ClinGen allele CA16042679.

ClinVar aggregate classification (germline): Uncertain significance (1 of 4 stars; one submission).

Submission:

GeneDx
Classification: Uncertain significance. Last evaluated: 2016-11-27. Review status: criteria provided, single submitter. Criteria: GeneDx Variant Classification (06012015). Collection method: clinical testing. Allele origin: germline. Affected: yes.
Comment: A variant of uncertain significance has been identified in the RARS2 gene. The c.1305+20 T>C variant has not been published as a pathogenic variant, nor has it been reported as a benign variant to our knowledge. The c.1305+20 T>C variant is not observed in large population cohorts (Lek et al., 2016; 1000 Genomes Consortium et al., 2015; Exome Variant Server). Several in-silico splice prediction models predict that c.1305+20 T>C creates a cryptic donor site which may supplant the natural donor site and lead to abnormal gene splicing. However, in the absence of RNA/functional studies, the actual effect of this sequence change in this individual is unknown. Additionally, this substitution occurs at a position that is not conserved. Therefore, based on the currently available information, it is unclear whether this variant is a pathogenic variant or a rare benign variant.